The following is an entry in ClinVar:

NM_000719.7(CACNA1C):c.3531C>T (p.Tyr1177=)

Gene: CACNA1C (calcium voltage-gated channel subunit alpha1 C; plus strand). Cytogenetic location: 12p13.33.
Variant type: single nucleotide variant.
Coding change: c.3531C>T on transcript NM_000719.7 (MANE Select); coding-DNA position 3531, C replaced by T.
Protein change: p.Tyr1177=; no amino-acid change (tyrosine 1177 retained).
Molecular consequence: synonymous variant.
Genome position (GRCh38, 1-based): chr12:2,608,685, C>T. VCF-style: chr12-2608685-C-T. GRCh37 (hg19) VCF-style: chr12-2717851-C-T.
Other names: c.3591C>T, p.Tyr1197= (NM_001129827.2, NM_001129832.2, NM_199460.4); c.3531C>T, p.Tyr1177= (NM_001129829.2, NM_001129830.3, NM_001129831.2 and 15 more transcripts); c.3522C>T, p.Tyr1174= (NM_001129844.2).
Identifiers: ClinVar variation 284431 (VCV000284431.27), dbSNP rs754527651, ClinGen allele CA6389246.

ClinVar aggregate classification (germline): Conflicting classifications of pathogenicity. Review status: criteria provided, conflicting classifications (1 of 4 stars). 6 submissions from 6 submitters: Uncertain significance (1); Likely benign (5). Last evaluated 2025-09-23.

Conditions:
Cardiovascular phenotype. Identifiers: MedGen CN230736.
Long QT syndrome (LQTS). Identifiers: MedGen C0023976, MeSH D008133, MONDO:0002442. Disease mechanism: loss of function. Inheritance: Various modes of inheritance.

Allele frequency attached by ClinVar (database versions not stated): ExAC 0.00001; gnomAD exomes 0.00002 and 0.00005; TOPMed 0.00002; gnomAD 0.00003.
gnomAD v4.1: 36 of 1,614,002 alleles (0.0022%); highest among the groups gnomAD compares: Non-Finnish European, 0.0031%; no homozygotes.

Submissions (6):

Labcorp Genetics (formerly Invitae), Labcorp
Classification: Likely benign for Long QT syndrome. Last evaluated: 2025-09-23. Review status: criteria provided, single submitter. Criteria: Invitae Variant Classification Sherloc (09022015). Collection method: clinical testing. Allele origin: germline.

Molecular Diagnostic Laboratory for Inherited Cardiovascular Disease, Montreal Heart Institute
Classification: Likely benign. Last evaluated: 2025-04-08. Review status: criteria provided, single submitter. Criteria: ACMG Guidelines, 2015. Collection method: clinical testing. Allele origin: germline. Affected: no.
Comment: BP6;BP7

Blueprint Genetics
Classification: Likely benign. Last evaluated: 2024-09-07. Review status: criteria provided, single submitter. Criteria: ACMG Guidelines, 2015. Collection method: clinical testing. Allele origin: germline.

GeneDx
Classification: Likely benign. Last evaluated: 2020-03-26. Review status: criteria provided, single submitter. Criteria: GeneDx Variant Classification Process June 2021. Collection method: clinical testing. Allele origin: germline. Affected: yes.

Ambry Genetics
Classification: Likely benign for Cardiovascular phenotype. Last evaluated: 2017-05-26. Review status: criteria provided, single submitter. Criteria: Ambry Variant Classification Scheme 2023. Collection method: clinical testing. Allele origin: germline.

Eurofins Ntd Llc (ga)
Classification: Uncertain significance. Last evaluated: 2015-10-26. Review status: criteria provided, single submitter. Criteria: EGL Classification Definitions 2015. Collection method: clinical testing. Allele origin: germline. Observed: 1 variant allele, 1 heterozygote.